The following is an entry in ClinVar:

ClinVar aggregate classification (germline): Uncertain significance (1 of 4 stars; one submission).

Allele frequency attached by ClinVar (database versions not stated): gnomAD 0.00001; TOPMed 0.00001.

Submission:

Labcorp Genetics (formerly Invitae), Labcorp
Classification: Uncertain significance. Last evaluated: 2021-08-24. Review status: criteria provided, single submitter. Criteria: Invitae Variant Classification Sherloc (09022015). Collection method: clinical testing. Allele origin: germline.
Comment: This sequence change replaces arginine with tryptophan at codon 209 of the IL2RB protein (p.Arg209Trp). The arginine residue is highly conserved and there is a moderate physicochemical difference between arginine and tryptophan. This variant is present in population databases (rs773356308, ExAC 0.005%). This variant has not been reported in the literature in individuals affected with IL2RB-related conditions. Algorithms developed to predict the effect of missense changes on protein structure and function (SIFT, PolyPhen-2, Align-GVGD) all suggest that this variant is likely to be disruptive. In summary, the available evidence is currently insufficient to determine the role of this variant in disease. Therefore, it has been classified as a Variant of Uncertain Significance.

NM_000878.5(IL2RB):c.625C>T (p.Arg209Trp)

Gene: IL2RB (interleukin 2 receptor subunit beta; minus strand). Cytogenetic location: 22q12.3.
Variant type: single nucleotide variant.
Coding change: c.625C>T on transcript NM_000878.5 (MANE Select); coding-DNA position 625, C replaced by T.
Protein change: p.Arg209Trp; replaces arginine 209 with tryptophan.
Molecular consequence: missense variant.
Genome position (GRCh38, 1-based): chr22:37,136,306, G>A on the plus strand (C>T on the coding strand, the complement: IL2RB is on the minus strand). VCF-style: chr22-37136306-G-A. GRCh37 (hg19) VCF-style: chr22-37532346-G-A.
Other names: c.625C>T, p.Arg209Trp (NM_001346222.1, NM_001346223.2); short protein forms R209W.
Identifiers: ClinVar variation 1358446 (VCV001358446.5), dbSNP rs773356308, ClinGen allele CA10216568.
Genomic context (GRCh38, chr22:37,136,306, plus strand): 5'-AGGCCAGGGGCTGGCTCCAGGGGCTCCAGGTCGTGAACTCGCCTTGCAGAGGCTTGACCC[G>A]CACCTGAAACTCATACTGGGTGTCTGGGGTGAGCGTCTCCAGGCAGATCCATTCCTGCTT-3'
Protein context (NP_000869.1, residues 199-219): TPDTQYEFQV[Arg209Trp]VKPLQGEFTT